The following is an entry in ClinVar:

NM_001370259.2(MEN1):c.224T>G (p.Leu75Arg)

Gene: MEN1 (menin 1; minus strand). Cytogenetic location: 11q13.1.
Variant type: single nucleotide variant.
Coding change: c.224T>G on transcript NM_001370259.2 (MANE Select); coding-DNA position 224, T replaced by G.
Protein change: p.Leu75Arg; replaces leucine 75 with arginine.
Molecular consequence: missense variant.
Genome position (GRCh38, 1-based): chr11:64,809,886, A>C on the plus strand (T>G on the coding strand, the complement: MEN1 is on the minus strand). VCF-style: chr11-64809886-A-C. GRCh37 (hg19) VCF-style: chr11-64577358-A-C.
Other names: c.224T>G, p.Leu75Arg (NM_000244.4, NM_001370251.2, NM_001370260.2 and 20 more transcripts); short protein forms L75R.
Identifiers: ClinVar variation 1788410 (VCV001788410.2), dbSNP rs2136188793, ClinGen allele CA381187611.

ClinVar aggregate classification (germline): Uncertain significance (1 of 4 stars; one submission).

Conditions:
Hereditary cancer-predisposing syndrome. Also called: Neoplastic Syndromes, Hereditary; Tumor predisposition; Hereditary Cancer Syndrome; Hereditary neoplastic syndrome. Identifiers: Orphanet 140162, MedGen C0027672, MeSH D009386, MONDO:0015356.

Submission:

Ambry Genetics
Classification: Uncertain significance for Hereditary cancer-predisposing syndrome. Last evaluated: 2022-01-06. Review status: criteria provided, single submitter. Criteria: Ambry Variant Classification Scheme 2023. Collection method: clinical testing. Allele origin: germline.
Comment: The p.L75R variant (also known as c.224T>G), located in coding exon 1 of the MEN1 gene, results from a T to G substitution at nucleotide position 224. The leucine at codon 75 is replaced by arginine, an amino acid with dissimilar properties. This amino acid position is conserved. In addition, this alteration is predicted to be deleterious by in silico analysis. Since supporting evidence is limited at this time, the clinical significance of this alteration remains unclear.